The following is an entry in ClinVar:

ClinVar aggregate classification (germline): Pathogenic (1 of 4 stars; one submission).

Conditions:
Glycine encephalopathy. Also called: Nonketotic hyperglycinemia; Non-ketotic hyperglycinemia. Identifiers: Orphanet 407, MedGen C0751748, MONDO:0011612, HP:0008288.

Submission:

Women's Health and Genetics/Laboratory Corporation of America, LabCorp
Classification: Pathogenic for Glycine encephalopathy. Last evaluated: 2025-10-21. Review status: criteria provided, single submitter. Criteria: LabCorp Variant Classification Summary - May 2015. Collection method: clinical testing. Allele origin: germline.
Comment: Variant summary: The variant involves the deletion of exons 16-18 in the GLDC gene. A presumed nomenclature of c.(1850+1_1851-1)_(2202+1_2203-1)del has been designated for the purposes of this classification. This Copy Number Variant (CNV) is expected to alter the reading frame and predicted to result in a truncation or absence of the encoded protein due to nonsense mediated decay (NMD). Loss-of-function variants in this gene are known to be pathogenic. The variant was absent in 21498 control chromosomes. To our knowledge, no occurrence of similar CNV deletions in individuals affected with GLDC-related conditions and no experimental evidence demonstrating its impact on protein function have been reported. No submitters have cited clinical-significance assessments for this variant to ClinVar. Based on the evidence outlined above, the variant was classified as pathogenic.

NC_000009.11:g.(6554782_6556152)_(6565430_6587140)del

Gene: GLDC (glycine decarboxylase; minus strand). Cytogenetic location: 9p24.1.
Variant type: Deletion.
Identifiers: ClinVar variation 4687128 (VCV004687128.1).